The following is an entry in ClinVar:

NM_000096.4(CP):c.2518C>G (p.Gln840Glu)

Gene: CP (ceruloplasmin; minus strand). Cytogenetic location: 3q24.
Variant type: single nucleotide variant.
Coding change: c.2518C>G on transcript NM_000096.4 (MANE Select); coding-DNA position 2518, C replaced by G.
Protein change: p.Gln840Glu; replaces glutamine 840 with glutamic acid.
Molecular consequence: missense variant. On other transcripts: non-coding transcript variant (1).
Genome position (GRCh38, 1-based): chr3:149,182,041, G>C on the plus strand (C>G on the coding strand, the complement: CP is on the minus strand). VCF-style: chr3-149182041-G-C. GRCh37 (hg19) VCF-style: chr3-148899828-G-C.
Other names: short protein forms Q840E.
Identifiers: ClinVar variation 1369127 (VCV001369127.5), dbSNP rs142139927, ClinGen allele CA2660743.

ClinVar aggregate classification (germline): Uncertain significance (1 of 4 stars; one submission).

Conditions:
Deficiency of ferroxidase (ACEP). Also called: Deficiency of ceruloplasmin; NEURODEGENERATION WITH BRAIN IRON ACCUMULATION 10; Aceruloplasminemia; Ceruloplasmin deficiency; Familial apoceruloplasmin deficiency; Hereditary ceruloplasmin deficiency. Identifiers: Orphanet 48818, MedGen C0878682, MONDO:0011426, OMIM 604290, HP:0025498.

Allele frequency attached by ClinVar (database versions not stated): gnomAD exomes 0.00002 and 0.00006; ExAC 0.00007; ESP Exome Variant Server 0.00015; gnomAD 0.00023 and 0.00025; TOPMed 0.00028; 1000 Genomes Project 0.00060; 1000 Genomes Project 30x 0.00062.
gnomAD v4.1: 57 of 1,590,596 alleles (0.0036%); highest among the groups gnomAD compares: African/African-American, 0.06%; no homozygotes.

Submission:

Labcorp Genetics (formerly Invitae), Labcorp
Classification: Uncertain significance for Deficiency of ferroxidase. Last evaluated: 2022-03-10. Review status: criteria provided, single submitter. Criteria: Invitae Variant Classification Sherloc (09022015). Collection method: clinical testing. Allele origin: germline.
Comment: This sequence change replaces glutamine, which is neutral and polar, with glutamic acid, which is acidic and polar, at codon 840 of the CP protein (p.Gln840Glu). This variant is present in population databases (rs142139927, gnomAD 0.05%). This variant has not been reported in the literature in individuals affected with CP-related conditions. Advanced modeling of protein sequence and biophysical properties (such as structural, functional, and spatial information, amino acid conservation, physicochemical variation, residue mobility, and thermodynamic stability) performed at Invitae indicates that this missense variant is expected to disrupt CP protein function. In summary, the available evidence is currently insufficient to determine the role of this variant in disease. Therefore, it has been classified as a Variant of Uncertain Significance.